The following is an entry in ClinVar:

NM_000311.5(PRNP):c.180_227del (p.60_67PHGGGWGQ[2])

Gene: PRNP (prion protein (Kanno blood group); plus strand). Cytogenetic location: 20p13.
Variant type: Deletion.
Coding change: c.180_227del on transcript NM_000311.5 (MANE Select); coding-DNA positions 180 to 227, 48 bases deleted.
Protein change: p.60_67PHGGGWGQ[2].
Molecular consequence: inframe deletion.
Genome position (GRCh38, 1-based): chr20:4,699,400-4,699,447, 48 bases deleted; deleting any 48 consecutive bases within chr20:4,699,380-4,699,447 gives the same sequence; the c. name uses the placement nearest the transcript's 3' end. GRCh37 (hg19): chr20:4,680,046-4,680,093.
Other names: c.180_227del, p.60_67PHGGGWGQ[2] (NM_001080121.3, NM_001080122.3, NM_001080123.3 and 1 more transcripts); c.91_138del, p.Ser31_Ala46del (NM_001271561.3).
Identifiers: ClinVar variation 858815 (VCV000858815.6), dbSNP rs193922906, ClinGen allele CA634331356.

ClinVar aggregate classification (germline): Uncertain significance (1 of 4 stars; one submission).

Conditions:
Huntington disease-like 1 (HDL1). Also called: HUNTINGTON-LIKE NEURODEGENERATIVE DISORDER 1; HUNTINGTON-LIKE NEURODEGENERATIVE DISORDER, AUTOSOMAL DOMINANT; PRION DISEASE, EARLY-ONSET, WITH PROMINENT PSYCHIATRIC FEATURES. Identifiers: Orphanet 157941, MedGen C1864112, MONDO:0011299, OMIM 603218.

Submission:

Labcorp Genetics (formerly Invitae), Labcorp
Classification: Uncertain significance for Huntington disease-like 1. Last evaluated: 2019-03-27. Review status: criteria provided, single submitter. Criteria: Invitae Variant Classification Sherloc (09022015). Collection method: clinical testing. Allele origin: germline.
Comment: In summary, the available evidence is currently insufficient to determine the role of this variant in disease. Therefore, it has been classified as a Variant of Uncertain Significance. Experimental studies and prediction algorithms are not available for this variant, and the functional significance of the affected amino acid(s) is currently unknown. This variant has not been reported in the literature in individuals with PRNP-related conditions. This variant is not present in population databases (ExAC no frequency). This variant, c.180_227del, results in the deletion of 16 amino acid(s) of the PRNP protein (p.Pro76_Gln91del), but otherwise preserves the integrity of the reading frame.